The following is an entry in ClinVar:

ClinVar aggregate classification (germline): Uncertain significance. Review status: criteria provided, multiple submitters, no conflicts (2 of 4 stars). 2 submissions from 2 submitters: Uncertain significance (2). Last evaluated 2024-09-20.

Conditions:
Cardiovascular phenotype. Identifiers: MedGen CN230736.
Ehlers-Danlos syndrome, kyphoscoliotic type, 2. Also called: FKBP14-Kyphoscoliotic Ehlers-Danlos Syndrome; Ehlers-Danlos syndrome, kyphoscoliotic and deafness type; Ehlers-Danlos syndrome with progressive kyphoscoliosis, myopathy, and hearing loss. Identifiers: Orphanet 300179, MedGen C3281160, MONDO:0013800, OMIM 614557.

Allele frequency attached by ClinVar (database versions not stated): gnomAD 0.00001; TOPMed 0.00001; ExAC 0.00006; 1000 Genomes Project 30x 0.00016; 1000 Genomes Project 0.00020.
gnomAD v4.1: 23 of 1,611,818 alleles (0.0014%); highest among the groups gnomAD compares: East Asian, 0.051%; no homozygotes.

Submissions (2):

Ambry Genetics
Classification: Uncertain significance for Cardiovascular phenotype. Last evaluated: 2024-09-20. Review status: criteria provided, single submitter. Criteria: Ambry Variant Classification Scheme 2023. Collection method: clinical testing. Allele origin: germline.

Labcorp Genetics (formerly Invitae), Labcorp
Classification: Uncertain significance for Ehlers-Danlos syndrome, kyphoscoliotic type, 2. Last evaluated: 2022-07-13. Review status: criteria provided, single submitter. Criteria: Invitae Variant Classification Sherloc (09022015). Collection method: clinical testing. Allele origin: germline.
Comment: In summary, the available evidence is currently insufficient to determine the role of this variant in disease. Therefore, it has been classified as a Variant of Uncertain Significance. Algorithms developed to predict the effect of missense changes on protein structure and function (SIFT, PolyPhen-2, Align-GVGD) all suggest that this variant is likely to be tolerated. This variant has not been reported in the literature in individuals affected with FKBP14-related conditions. This variant is present in population databases (rs142257224, gnomAD 0.04%). This sequence change replaces histidine, which is basic and polar, with glutamine, which is neutral and polar, at codon 179 of the FKBP14 protein (p.His179Gln).

NM_017946.4(FKBP14):c.537T>A (p.His179Gln)

Genes: FKBP14 (FKBP prolyl isomerase 14; minus strand), FKBP14-AS1 (FKBP14 antisense RNA 1; plus strand). Cytogenetic location: 7p14.3.
Variant type: single nucleotide variant.
Coding change: c.537T>A on transcript NM_017946.4 (MANE Select); coding-DNA position 537, T replaced by A.
Protein change: p.His179Gln; replaces histidine 179 with glutamine.
Molecular consequence: missense variant. On other transcripts: non-coding transcript variant (2).
Genome position (GRCh38, 1-based): chr7:30,014,834, A>T on the plus strand (T>A on the coding strand, the complement: FKBP14 is on the minus strand). VCF-style: chr7-30014834-A-T. GRCh37 (hg19) VCF-style: chr7-30054450-A-T.
Other names: short protein forms H179Q.
Identifiers: ClinVar variation 1747169 (VCV001747169.7), dbSNP rs142257224, ClinGen allele CA4203380.